The following is an entry in ClinVar:

NM_001377229.1(DISP1):c.3153C>T (p.Asp1051=)

Gene: DISP1 (dispatched RND transporter family member 1; plus strand). Cytogenetic location: 1q41.
Variant type: single nucleotide variant.
Coding change: c.3153C>T on transcript NM_001377229.1 (MANE Select); coding-DNA position 3153, C replaced by T.
Protein change: p.Asp1051=; no amino-acid change (aspartic acid 1051 retained).
Molecular consequence: synonymous variant.
Genome position (GRCh38, 1-based): chr1:223,004,550, C>T. VCF-style: chr1-223004550-C-T. GRCh37 (hg19) VCF-style: chr1-223177892-C-T.
Other names: c.2424C>T, p.Asp808= (NM_001350630.2); c.3153C>T, p.Asp1051= (NM_001369594.1, NM_001377228.1, NM_032890.5).
Identifiers: ClinVar variation 779402 (VCV000779402.17), dbSNP rs111796312, ClinGen allele CA1409353.

ClinVar aggregate classification (germline): Likely benign. Review status: criteria provided, multiple submitters, no conflicts (2 of 4 stars). 3 submissions from 3 submitters: Likely benign (3). Last evaluated 2025-10-02.

Allele frequency attached by ClinVar (database versions not stated): ExAC 0.00094; gnomAD exomes 0.00099 and 0.00217; gnomAD 0.00116 and 0.00120; TOPMed 0.00124; ESP Exome Variant Server 0.00261.
gnomAD v4.1: 3,314 of 1,614,214 alleles (0.21%); highest among the groups gnomAD compares: Non-Finnish European, 0.26%; 9 homozygotes.

Submissions (3):

Labcorp Genetics (formerly Invitae), Labcorp
Classification: Likely benign. Last evaluated: 2025-10-02. Review status: criteria provided, single submitter. Criteria: Invitae Variant Classification Sherloc (09022015). Collection method: clinical testing. Allele origin: germline.

CeGaT Center for Human Genetics Tuebingen
Classification: Likely benign. Last evaluated: 2025-09-01. Review status: criteria provided, single submitter. Criteria: CeGaT Center For Human Genetics Tuebingen Variant Classification Criteria Version 2. Collection method: clinical testing. Allele origin: germline. Affected: yes. Observed: 2 variant alleles.
Comment: DISP1: BP4

Breakthrough Genomics
Classification: Likely benign. Review status: criteria provided, single submitter. Criteria: ACMG Guidelines, 2015. Collection method: not provided. Allele origin: germline. Inheritance: Unknown mechanism. Affected: yes.